The following is an entry in ClinVar:

ClinVar aggregate classification (germline): Uncertain significance (1 of 4 stars; one submission).

Submission:

Labcorp Genetics (formerly Invitae), Labcorp
Classification: Uncertain significance. Last evaluated: 2024-11-11. Review status: criteria provided, single submitter. Criteria: Invitae Variant Classification Sherloc (09022015). Collection method: clinical testing. Allele origin: germline.
Comment: This sequence change replaces glutamic acid, which is acidic and polar, with glycine, which is neutral and non-polar, at codon 111 of the RBP3 protein (p.Glu111Gly). This variant is not present in population databases (gnomAD no frequency). This variant has not been reported in the literature in individuals affected with RBP3-related conditions. ClinVar contains an entry for this variant (Variation ID: 1006138). Invitae Evidence Modeling of protein sequence and biophysical properties (such as structural, functional, and spatial information, amino acid conservation, physicochemical variation, residue mobility, and thermodynamic stability) has been performed for this missense variant. However, the output from this modeling did not meet the statistical confidence thresholds required to predict the impact of this variant on RBP3 protein function. In summary, the available evidence is currently insufficient to determine the role of this variant in disease. Therefore, it has been classified as a Variant of Uncertain Significance.

NM_002900.3(RBP3):c.332A>G (p.Glu111Gly)

Gene: RBP3 (retinol binding protein 3; plus strand). Cytogenetic location: 10q11.22.
Variant type: single nucleotide variant.
Coding change: c.332A>G on transcript NM_002900.3 (MANE Select); coding-DNA position 332, A replaced by G.
Protein change: p.Glu111Gly; replaces glutamic acid 111 with glycine.
Molecular consequence: missense variant.
Genome position (GRCh38, 1-based): chr10:47,348,816, A>G. VCF-style: chr10-47348816-A-G. GRCh37 (hg19) VCF-style: chr10-48390546-T-C.
Other names: short protein forms E111G.
Identifiers: ClinVar variation 1006138 (VCV001006138.8), dbSNP rs1836895677, ClinGen allele CA376664854.